The following is an entry in ClinVar:

NC_000017.10:g.(?_56811469)_(56811583_?)del

Gene: RAD51C (RAD51 paralog C; plus strand). Cytogenetic location: 17q22.
Variant type: Deletion.
Identifiers: ClinVar variation 2427172 (VCV002427172.2).

ClinVar aggregate classification (germline): Likely pathogenic (1 of 4 stars; one submission).

Conditions:
Fanconi anemia complementation group O. Also called: RAD51C-Related Fanconi Anemia. Identifiers: Orphanet 84, MedGen C3150653, MONDO:0013248, OMIM 613390.

Submission:

Labcorp Genetics (formerly Invitae), Labcorp
Classification: Likely pathogenic for Fanconi anemia complementation group O. Last evaluated: 2022-07-07. Review status: criteria provided, single submitter. Criteria: Invitae Variant Classification Sherloc (09022015). Collection method: clinical testing. Allele origin: germline.
Comment: This variant is a gross deletion of the genomic region encompassing exon(s) 9 of the RAD51C gene, which includes the termination codon. This deletion extends beyond the assayed region for this gene and therefore may encompass additional genes. While this deletion is not anticipated to lead to nonsense mediated decay, it is expected to alter mRNA translation or result in a truncated protein product. This variant has not been reported in the literature in individuals affected with RAD51C-related conditions. This variant is expected to delete a portion of the C-terminal region of the RAD51C protein containing the nuclear localization signal (NLS) (residues Arg366-Leu376) (PMID: 12966089). Although functional studies have not been performed for this particular variant, disruption of the NLS likely impairs RAD51C function and suggests that deletion of this region of the RAD51C protein is causative of disease. In summary, the currently available evidence indicates that the variant is pathogenic, but additional data are needed to prove that conclusively. Therefore, this variant has been classified as Likely Pathogenic.

Literature cited by the submitters: PubMed 12966089.